The following is an entry in ClinVar:

NM_005557.4(KRT16):c.386CCT[1] (p.Ser130del)

Gene: KRT16 (keratin 16; minus strand). Cytogenetic location: 17q21.2.
Variant type: Microsatellite.
Coding change: c.386CCT[1] on transcript NM_005557.4 (MANE Select); one copy of the 3-base unit CCT starting at c.386; the reference has two copies in a row; one copy, 3 bases deleted.
Protein change: p.Ser130del; deletes serine 130.
Molecular consequence: inframe deletion.
Genome position (GRCh38, 1-based): chr17:41,612,298-41,612,300, AGG deleted on the plus strand (CCT on the coding strand, the reverse complement: KRT16 is on the minus strand); deleting any 3 consecutive bases within chr17:41,612,298-41,612,303 gives the same sequence; the position shown is the placement nearest the transcript's 3' end. VCF-style (leftmost placement, unchanged base first): chr17-41612297-TAGG-T. GRCh37 (hg19) VCF-style: chr17-39768549-TAGG-T.
Other names: short protein forms S130del.
Identifiers: ClinVar variation 14603 (VCV000014603.3), dbSNP rs58181827, ClinGen allele CA217387.

ClinVar aggregate classification (germline): Pathogenic. Review status: criteria provided, single submitter (1 of 4 stars). 3 submissions from 3 submitters: Pathogenic (1). 2 of the submissions do not count toward it. Last evaluated 2015-12-14.

Conditions:
Pachyonychia congenita 1 (PC1). Also called: Jadassohn Lewandowsky syndrome; KRT16-Related Pachyonychia Congenita; KRT6A-Related Pachyonychia Congenita; PACHYONYCHIA CONGENITA, LATE ONSET. Identifiers: Orphanet 2309, MedGen C1706595, MONDO:0008173, OMIM 167200.

Submissions (3):

GeneDx
Classification: Pathogenic. Last evaluated: 2015-12-14. Review status: criteria provided, single submitter. Criteria: GeneDx Variant Classification (06012015). Collection method: clinical testing. Allele origin: germline. Affected: yes.
Comment: The c.389_391delCCT pathogenic variant in the KRT16 gene results in an in-frame deletion of a single Serine residue. The deletion has been previously published in association with pachyonychia congenita type 1 (Smith et al., 1999). The variant was not observed in approximately 6,500 individuals of European and African American ancestry in the NHLBI Exome Sequencing Project, indicating it is not a common benign variant in these population. The deleted Serine residue is located at a position within the Coil1A region of the KRT16 protein that is a hotpot for pathogenic variants.

OMIM
Classification: Pathogenic for PACHYONYCHIA CONGENITA 1. Last evaluated: 1999-10-01. Review status: no assertion criteria provided. Collection method: literature only. Allele origin: germline. Not counted in ClinVar's aggregate classification.

Epithelial Biology;  Institute of Medical Biology, Singapore
No classification provided. Review status: no classification provided. Collection method: not provided. Allele origin: not provided. Not counted in ClinVar's aggregate classification.

Literature cited by the submitters: PubMed 10521820 (cited by OMIM).